The following is an entry in ClinVar:

ClinVar aggregate classification (germline): Pathogenic. Review status: criteria provided, multiple submitters, no conflicts (2 of 4 stars). 4 submissions from 4 submitters: Pathogenic (4). Last evaluated 2023-12-16.

Conditions:
Hereditary breast ovarian cancer syndrome. Also called: Hereditary breast and/or ovarian cancer syndrome; Breast and ovarian cancer; Hereditary breast and ovarian cancer syndrome; Hereditary breast and ovarian cancer syndrome (HBOC); BRCA1- and BRCA2-Associated Hereditary Breast and Ovarian Cancer; Hereditary breast and ovarian cancer. Identifiers: Orphanet 145, MedGen C0677776, MeSH D061325, MONDO:0003582. Disease mechanism: loss of function.
Hereditary cancer-predisposing syndrome. Also called: Hereditary Cancer Syndrome; Neoplastic Syndromes, Hereditary; Hereditary neoplastic syndrome; Tumor predisposition. Identifiers: Orphanet 140162, MedGen C0027672, MeSH D009386, MONDO:0015356.
Fanconi anemia, complementation group S (FANCS). Identifiers: MedGen C4554406, MONDO:0054748, OMIM 617883.
Pancreatic cancer, susceptibility to, 4. Identifiers: Orphanet 1333, MedGen C3280442, MONDO:0013685, OMIM 614320.
Breast-ovarian cancer, familial, susceptibility to, 1 (BROVCA1). Also called: OVARIAN CANCER, SUSCEPTIBILITY TO; BRCA1 Hereditary Breast and Ovarian Cancer. Identifiers: Orphanet 145, MedGen C2676676, MONDO:0011450, OMIM 604370. Disease mechanism: loss of function.

Submissions (4):

Labcorp Genetics (formerly Invitae), Labcorp
Classification: Pathogenic for Hereditary breast ovarian cancer syndrome. Last evaluated: 2023-12-16. Review status: criteria provided, single submitter. Criteria: Invitae Variant Classification Sherloc (09022015). Collection method: clinical testing. Allele origin: germline.
Comment: This sequence change creates a premature translational stop signal (p.Arg252Valfs*46) in the BRCA1 gene. It is expected to result in an absent or disrupted protein product. Loss-of-function variants in BRCA1 are known to be pathogenic (PMID: 20104584). This variant is not present in population databases (gnomAD no frequency). This premature translational stop signal has been observed in individual(s) with hereditary breast and ovarian cancer syndrome (PMID: 25927356). ClinVar contains an entry for this variant (Variation ID: 496401). For these reasons, this variant has been classified as Pathogenic.

Women's Health and Genetics/Laboratory Corporation of America, LabCorp
Classification: Pathogenic for Hereditary breast ovarian cancer syndrome. Last evaluated: 2017-06-16. Review status: criteria provided, single submitter. Criteria: LabCorp Variant Classification Summary - May 2015. Collection method: clinical testing. Allele origin: germline.
Comment: Variant summary: The BRCA1 c.754delC (p.Arg252Valfs) variant results in a premature termination codon, predicted to cause a truncated or absent BRCA1 protein due to nonsense mediated decay, which are commonly known mechanisms for disease. Truncations downstream of this position have been classified as pathogenic by our laboratory (e.g., c.783T>G [p.Tyr261X], c.784delC [p.Gln262fs). The variant has been identified in at least two patients with triple-negative breast cancer (Lang_BRCA1&2_IJC_2017; Yang_PLoS One_2015) and is absent from the large control database ExAC and control cohorts reported in the literature (0/122396 control chromosomes). One in silico tool predicts a damaging outcome for this variant. Taken together, this variant is classified as pathogenic.

Ambry Genetics
Classification: Pathogenic for Hereditary cancer-predisposing syndrome. Last evaluated: 2017-05-30. Review status: criteria provided, single submitter. Criteria: Ambry Variant Classification Scheme 2023. Collection method: clinical testing. Allele origin: germline.
Comment: The c.754delC pathogenic mutation, located in coding exon 9 of the BRCA1 gene, results from a deletion of one nucleotide at nucleotide position 754, causing a translational frameshift with a predicted alternate stop codon. In addition to the clinical data presented in the literature, this alteration is expected to result in loss of function by premature protein truncation or nonsense-mediated mRNA decay. As such, this alteration is interpreted as a disease-causing mutation.

Juno Genomics, Hangzhou Juno Genomics, Inc
Classification: Pathogenic for Breast-ovarian cancer, familial, susceptibility to, 1; Pancreatic cancer, susceptibility to, 4; Fanconi anemia, complementation group S. Review status: criteria provided, single submitter. Criteria: ACMG Guidelines, 2015. Collection method: clinical testing. Allele origin: germline.
Comment: Absent from controls (or at extremely low frequency if recessive) in Genome Aggregation Database.;Null variant in a gene where loss of function (LOF) is a known mechanism of disease.;Novel missense change at an amino acid residue where a different missense change determined to be pathogenic has been seen before.

Literature cited by the submitters: PubMed 20104584 (cited by Labcorp Genetics (formerly Invitae), Labcorp); PubMed 25927356 (cited by 3 submitters); PubMed 28294317 (cited by Women's Health and Genetics/Laboratory Corporation of America, LabCorp).

NM_007294.4(BRCA1):c.754del (p.Arg252fs)

Gene: BRCA1 (BRCA1 DNA repair associated; minus strand). Cytogenetic location: 17q21.31.
Variant type: Deletion.
Coding change: c.754del on transcript NM_007294.4 (MANE Select); coding-DNA position 754, one base deleted (C; older notation c.754delC).
Protein change: p.Arg252fs; shifts the reading frame from arginine 252.
Molecular consequence: frameshift variant. On other transcripts: non-coding transcript variant (1).
Genome position (GRCh38, 1-based): chr17:43,094,777, G deleted on the plus strand (C on the coding strand, the reverse complement: BRCA1 is on the minus strand). VCF-style (leftmost placement, unchanged base first): chr17-43094776-CG-C. GRCh37 (hg19) VCF-style: chr17-41246793-CG-C.
Other names: c.541delC, p.Arg181Valfs (NM_001407571.1, NM_001407853.1, NM_001407894.1 and 12 more transcripts); c.754delC, p.Arg252Valfs (NM_001407581.1, NM_001407582.1, NM_001407583.1 and 52 more transcripts); c.751delC, p.Arg251Valfs (NM_001407587.1, NM_001407590.1, NM_001407591.1 and 38 more transcripts); c.745delC, p.Arg249Valfs (NM_001407646.1, NM_001407647.1, NM_001408408.1); c.631delC, p.Arg211Valfs (NM_001407648.1, NM_001407664.1, NM_001407665.1 and 34 more transcripts); c.628delC, p.Arg210Valfs (NM_001407649.1, NM_001407670.1, NM_001407671.1 and 20 more transcripts); c.676delC, p.Arg226Valfs (NM_001407653.1, NM_001407654.1, NM_001407655.1 and 9 more transcripts); c.673delC, p.Arg225Valfs (NM_001407659.1, NM_001407660.1, NM_001407661.1 and 3 more transcripts); and 16 more; short protein forms R252fs, R205fs.
Identifiers: ClinVar variation 496401 (VCV000496401.15), dbSNP rs1555593195, ClinGen allele CA658684122.
Genomic context (GRCh38, chr17:43,094,776, plus strand): 5'-TCCACATGCAAGTTTGAAACAGAACTACCCTGATACTTTTCTGGATGCCTCTCAGCTGCA[CG>C]CTTCTCAGTGGTGTTCAAATCATTATTACTGGGTTGATGATGTTCAGTATTTGTTACATC-3'